The following is an entry in ClinVar:

NM_001029883.3(PCARE):c.1822A>G (p.Thr608Ala)

Gene: PCARE (photoreceptor cilium actin regulator; minus strand). Cytogenetic location: 2p23.2.
Variant type: single nucleotide variant.
Coding change: c.1822A>G on transcript NM_001029883.3 (MANE Select); coding-DNA position 1822, A replaced by G.
Protein change: p.Thr608Ala; replaces threonine 608 with alanine.
Molecular consequence: missense variant.
Genome position (GRCh38, 1-based): chr2:29,072,440, T>C on the plus strand (A>G on the coding strand, the complement: PCARE is on the minus strand). VCF-style: chr2-29072440-T-C. GRCh37 (hg19) VCF-style: chr2-29295306-T-C.
Other names: short protein forms T608A.
Identifiers: ClinVar variation 2832676 (VCV002832676.3), dbSNP rs2465276665, ClinGen allele CA346478835.

ClinVar aggregate classification (germline): Uncertain significance (1 of 4 stars; one submission).

Submission:

Labcorp Genetics (formerly Invitae), Labcorp
Classification: Uncertain significance. Last evaluated: 2023-06-09. Review status: criteria provided, single submitter. Criteria: Invitae Variant Classification Sherloc (09022015). Collection method: clinical testing. Allele origin: germline.
Comment: In summary, the available evidence is currently insufficient to determine the role of this variant in disease. Therefore, it has been classified as a Variant of Uncertain Significance. An algorithm developed to predict the effect of missense changes on protein structure and function (PolyPhen-2) suggests that this variant is likely to be disruptive. This variant has not been reported in the literature in individuals affected with PCARE-related conditions. This variant is not present in population databases (gnomAD no frequency). This sequence change replaces threonine, which is neutral and polar, with alanine, which is neutral and non-polar, at codon 608 of the PCARE protein (p.Thr608Ala).